The following is an entry in ClinVar:

ClinVar aggregate classification (germline): Conflicting classifications of pathogenicity. Review status: criteria provided, conflicting classifications (1 of 4 stars). 4 submissions from 4 submitters: Uncertain significance (3); Likely benign (1). Last evaluated 2024-11-21.

Conditions:
Ehlers-Danlos syndrome, kyphoscoliotic type 1 (EDSKSCL1). Also called: EHLERS-DANLOS SYNDROME, OCULAR-SCOLIOTIC TYPE; EHLERS-DANLOS SYNDROME, TYPE VIA; Ehlers-Danlos syndrome, hydroxylysine-deficient; PLOD1-Related Kyphoscoliotic Ehlers-Danlos Syndrome. Identifiers: Orphanet 1900, MedGen C0268342, MONDO:0016002, OMIM 225400. Disease mechanism: loss of function.
Familial thoracic aortic aneurysm and aortic dissection (TAAD). Also called: Thoracic aortic aneurysms and dissections. Identifiers: Orphanet 91387, MedGen C4707243, MONDO:0019625.

Allele frequency attached by ClinVar (database versions not stated): TOPMed below 0.00001; gnomAD 0.00001.
gnomAD v4.1: 27 of 1,613,462 alleles (0.0017%); highest among the groups gnomAD compares: Non-Finnish European, 0.0023%; no homozygotes.

Submissions (4):

Women's Health and Genetics/Laboratory Corporation of America, LabCorp
Classification: Uncertain significance. Last evaluated: 2024-11-21. Review status: criteria provided, single submitter. Criteria: LabCorp Variant Classification Summary - May 2015. Collection method: clinical testing. Allele origin: germline.

Ambry Genetics
Classification: Uncertain significance for Familial thoracic aortic aneurysm and aortic dissection. Last evaluated: 2024-03-07. Review status: criteria provided, single submitter. Criteria: Ambry Variant Classification Scheme 2023. Collection method: clinical testing. Allele origin: germline.
Comment: The c.466+3G>A intronic variant results from a G to A substitution 3 nucleotides after coding exon 4 in the PLOD1 gene. This nucleotide position is poorly conserved in available vertebrate species. In silico splice site analysis predicts that this alteration will not have any significant effect on splicing. Based on the available evidence, the clinical significance of this alteration remains unclear.

Labcorp Genetics (formerly Invitae), Labcorp
Classification: Uncertain significance for Ehlers-Danlos syndrome, kyphoscoliotic type 1. Last evaluated: 2023-11-27. Review status: criteria provided, single submitter. Criteria: Invitae Variant Classification Sherloc (09022015). Collection method: clinical testing. Allele origin: germline.
Comment: This sequence change falls in intron 4 of the PLOD1 gene. It does not directly change the encoded amino acid sequence of the PLOD1 protein. It affects a nucleotide within the consensus splice site. This variant is present in population databases (rs779840832, gnomAD 0.002%). This variant has not been reported in the literature in individuals affected with PLOD1-related conditions. ClinVar contains an entry for this variant (Variation ID: 1218287). Variants that disrupt the consensus splice site are a relatively common cause of aberrant splicing (PMID: 17576681, 9536098). Algorithms developed to predict the effect of sequence changes on RNA splicing suggest that this variant is not likely to affect RNA splicing. In summary, the available evidence is currently insufficient to determine the role of this variant in disease. Therefore, it has been classified as a Variant of Uncertain Significance.

GeneDx
Classification: Likely benign. Last evaluated: 2018-10-25. Review status: criteria provided, single submitter. Criteria: GeneDx Variant Classification Process June 2021. Collection method: clinical testing. Allele origin: germline. Affected: yes.

Literature cited by the submitters: PubMed 17576681 (cited by Labcorp Genetics (formerly Invitae), Labcorp); PubMed 9536098 (cited by Labcorp Genetics (formerly Invitae), Labcorp).

NM_000302.4(PLOD1):c.466+3G>A

Gene: PLOD1 (procollagen-lysine,2-oxoglutarate 5-dioxygenase 1; plus strand). Cytogenetic location: 1p36.22.
Variant type: single nucleotide variant.
Coding change: c.466+3G>A on transcript NM_000302.4 (MANE Select); 3 bases into the intron after coding-DNA position 466, G replaced by A.
Molecular consequence: intron variant.
Genome position (GRCh38, 1-based): chr1:11,950,523, G>A. VCF-style: chr1-11950523-G-A. GRCh37 (hg19) VCF-style: chr1-12010580-G-A.
Other names: c.607+3G>A (NM_001316320.2); c.466+3G>A (NM_000302.3).
Identifiers: ClinVar variation 1218287 (VCV001218287.9), dbSNP rs779840832, ClinGen allele CA597902.